The following is an entry in ClinVar:

NM_014585.6(SLC40A1):c.292G>T (p.Val98Leu)

Gene: SLC40A1 (solute carrier family 40 member 1; minus strand). Cytogenetic location: 2q32.2.
Variant type: single nucleotide variant.
Coding change: c.292G>T on transcript NM_014585.6 (MANE Select); coding-DNA position 292, G replaced by T.
Protein change: p.Val98Leu; replaces valine 98 with leucine.
Molecular consequence: missense variant.
Genome position (GRCh38, 1-based): chr2:189,572,941, C>A on the plus strand (G>T on the coding strand, the complement: SLC40A1 is on the minus strand). VCF-style: chr2-189572941-C-A. GRCh37 (hg19) VCF-style: chr2-190437667-C-A.
Other names: short protein forms V98L.
Identifiers: ClinVar variation 2046732 (VCV002046732.4), dbSNP rs1429796784, ClinGen allele CA349989539.

ClinVar aggregate classification (germline): Uncertain significance (1 of 4 stars; one submission).

Conditions:
Hemochromatosis type 4 (HFE4). Also called: HEMOCHROMATOSIS DUE TO DEFECT IN FERROPORTIN; HEMOCHROMATOSIS, AUTOSOMAL DOMINANT; Ferroportin disease. Identifiers: Orphanet 139491, Orphanet 647834, Orphanet 648562, MedGen C1853733, MONDO:0011631, OMIM 606069.

Allele frequency attached by ClinVar (database versions not stated): TOPMed 0.00001.

Submission:

Labcorp Genetics (formerly Invitae), Labcorp
Classification: Uncertain significance for Hemochromatosis type 4. Last evaluated: 2022-09-05. Review status: criteria provided, single submitter. Criteria: Invitae Variant Classification Sherloc (09022015). Collection method: clinical testing. Allele origin: germline.
Comment: Algorithms developed to predict the effect of missense changes on protein structure and function (SIFT, PolyPhen-2, Align-GVGD) all suggest that this variant is likely to be tolerated. This variant has not been reported in the literature in individuals affected with SLC40A1-related conditions. This variant is not present in population databases (gnomAD no frequency). This sequence change replaces valine, which is neutral and non-polar, with leucine, which is neutral and non-polar, at codon 98 of the SLC40A1 protein (p.Val98Leu). In summary, the available evidence is currently insufficient to determine the role of this variant in disease. Therefore, it has been classified as a Variant of Uncertain Significance.